The following is an entry in ClinVar:

ClinVar aggregate classification (germline): Uncertain significance (1 of 4 stars; one submission).

Allele frequency attached by ClinVar (database versions not stated): gnomAD exomes below 0.00001.
gnomAD v4.1: 1 of 1,613,014 alleles (0.000062%); highest among the groups gnomAD compares: Non-Finnish European, 0.000085%; no homozygotes.

Submission:

Labcorp Genetics (formerly Invitae), Labcorp
Classification: Uncertain significance. Last evaluated: 2022-11-22. Review status: criteria provided, single submitter. Criteria: Invitae Variant Classification Sherloc (09022015). Collection method: clinical testing. Allele origin: germline.
Comment: In summary, the available evidence is currently insufficient to determine the role of this variant in disease. Therefore, it has been classified as a Variant of Uncertain Significance. Advanced modeling of protein sequence and biophysical properties (such as structural, functional, and spatial information, amino acid conservation, physicochemical variation, residue mobility, and thermodynamic stability) performed at Invitae indicates that this missense variant is not expected to disrupt COL11A2 protein function. This variant has not been reported in the literature in individuals affected with COL11A2-related conditions. This variant is not present in population databases (gnomAD no frequency). This sequence change replaces proline, which is neutral and non-polar, with serine, which is neutral and polar, at codon 1010 of the COL11A2 protein (p.Pro1010Ser).

NM_080680.3(COL11A2):c.3028C>T (p.Pro1010Ser)

Gene: COL11A2 (collagen type XI alpha 2 chain; minus strand). Cytogenetic location: 6p21.32.
Variant type: single nucleotide variant.
Coding change: c.3028C>T on transcript NM_080680.3 (MANE Select); coding-DNA position 3028, C replaced by T.
Protein change: p.Pro1010Ser; replaces proline 1010 with serine.
Molecular consequence: missense variant.
Genome position (GRCh38, 1-based): chr6:33,172,064, G>A on the plus strand (C>T on the coding strand, the complement: COL11A2 is on the minus strand). VCF-style: chr6-33172064-G-A. GRCh37 (hg19) VCF-style: chr6-33139841-G-A.
Other names: c.2707C>T, p.Pro903Ser (NM_080679.3); c.2770C>T, p.Pro924Ser (NM_080681.3); short protein forms P903S, P1010S, P924S.
Identifiers: ClinVar variation 2148356 (VCV002148356.4), dbSNP rs1770166863, ClinGen allele CA363636635.